The following is an entry in ClinVar:

NM_000273.3(GPR143):c.362T>G (p.Met121Arg)

Gene: GPR143 (G protein-coupled receptor 143; minus strand). Cytogenetic location: Xp22.2.
Variant type: single nucleotide variant.
Coding change: c.362T>G on transcript NM_000273.3 (MANE Select); coding-DNA position 362, T replaced by G.
Protein change: p.Met121Arg; replaces methionine 121 with arginine.
Molecular consequence: missense variant.
Genome position (GRCh38, 1-based): chrX:9,759,425, A>C on the plus strand (T>G on the coding strand, the complement: GPR143 is on the minus strand). VCF-style: chrX-9759425-A-C. GRCh37 (hg19) VCF-style: chrX-9727465-A-C.
Other names: short protein forms M121R.
Identifiers: ClinVar variation 2811563 (VCV002811563.3), dbSNP rs1449268031, ClinGen allele CA411999009.

ClinVar aggregate classification (germline): Uncertain significance (1 of 4 stars; one submission).

Submission:

Labcorp Genetics (formerly Invitae), Labcorp
Classification: Uncertain significance. Last evaluated: 2022-11-02. Review status: criteria provided, single submitter. Criteria: Invitae Variant Classification Sherloc (09022015). Collection method: clinical testing. Allele origin: germline.
Comment: In summary, the available evidence is currently insufficient to determine the role of this variant in disease. Therefore, it has been classified as a Variant of Uncertain Significance. This sequence change replaces methionine, which is neutral and non-polar, with arginine, which is basic and polar, at codon 121 of the GPR143 protein (p.Met121Arg). This variant is not present in population databases (gnomAD no frequency). This variant has not been reported in the literature in individuals affected with GPR143-related conditions. Algorithms developed to predict the effect of missense changes on protein structure and function (SIFT, PolyPhen-2, Align-GVGD) all suggest that this variant is likely to be tolerated. Algorithms developed to predict the effect of sequence changes on RNA splicing suggest that this variant may disrupt the consensus splice site.